The following is an entry in ClinVar:

NM_001253852.3(AP4B1):c.616C>G (p.Arg206Gly)

Genes: AP4B1 (adaptor related protein complex 4 subunit beta 1; minus strand), AP4B1-AS1 (AP4B1 antisense RNA 1; plus strand). Cytogenetic location: 1p13.2.
Variant type: single nucleotide variant.
Coding change: c.616C>G on transcript NM_001253852.3 (MANE Select); coding-DNA position 616, C replaced by G.
Protein change: p.Arg206Gly; replaces arginine 206 with glycine.
Molecular consequence: missense variant. On other transcripts: non-coding transcript variant (2), intron variant (1).
Genome position (GRCh38, 1-based): chr1:113,901,237, G>C on the plus strand (C>G on the coding strand, the complement: AP4B1 is on the minus strand). VCF-style: chr1-113901237-G-C. GRCh37 (hg19) VCF-style: chr1-114443859-G-C.
Other names: c.319C>G, p.Arg107Gly (NM_001253853.3); c.616C>G, p.Arg206Gly (NM_006594.5); c.114-837C>G (NM_001308312.2); short protein forms R206G, R107G.
Identifiers: ClinVar variation 577788 (VCV000577788.5), dbSNP rs762612591, ClinGen allele CA1016062.
Genomic context (GRCh38, chr1:113,901,237, plus strand): 5'-CAACAAGATCCCACAAGGTAGCAGATCTCATAATAAAAAGAGTGCTGAGGCATCCAAACC[G>C]ATTTAAGAGATGGTGAGCAATGGGCTTATTGATGACAACGCCTCCTTCCTGTTTCAGAAT-3'
Protein context (NP_001240781.1, residues 196-216): NKPIAHHLLN[Arg206Gly]MSKLDQWGQA

ClinVar aggregate classification (germline): Uncertain significance (1 of 4 stars; one submission).

Conditions:
Hereditary spastic paraplegia 47. Also called: CEREBRAL PALSY, SPASTIC QUADRIPLEGIC, 5; adaptor protein 4 (AP-4) deficiency syndrome; Spastic paraplegia 47, autosomal recessive. Identifiers: Orphanet 280763, MedGen C3279738, MONDO:0013551, OMIM 614066.

Allele frequency attached by ClinVar (database versions not stated): gnomAD 0.00001 and 0.00002; TOPMed 0.00004.
gnomAD v4.1: 39 of 1,614,024 alleles (0.0024%); highest among the groups gnomAD compares: Admixed American, 0.0033%; no homozygotes.

Submission:

Labcorp Genetics (formerly Invitae), Labcorp
Classification: Uncertain significance for Hereditary spastic paraplegia 47. Last evaluated: 2024-10-03. Review status: criteria provided, single submitter. Criteria: Invitae Variant Classification Sherloc (09022015). Collection method: clinical testing. Allele origin: germline.
Comment: This sequence change replaces arginine, which is basic and polar, with glycine, which is neutral and non-polar, at codon 206 of the AP4B1 protein (p.Arg206Gly). This variant is present in population databases (rs762612591, gnomAD 0.004%). This variant has not been reported in the literature in individuals affected with AP4B1-related conditions. ClinVar contains an entry for this variant (Variation ID: 577788). An algorithm developed to predict the effect of missense changes on protein structure and function (PolyPhen-2) suggests that this variant is likely to be disruptive. Algorithms developed to predict the effect of sequence changes on RNA splicing suggest that this variant may disrupt the consensus splice site. In summary, the available evidence is currently insufficient to determine the role of this variant in disease. Therefore, it has been classified as a Variant of Uncertain Significance.